The following is an entry in ClinVar:

NM_004415.4(DSP):c.262A>T (p.Ile88Phe)

Gene: DSP (desmoplakin; plus strand). Cytogenetic location: 6p24.3.
Variant type: single nucleotide variant.
Coding change: c.262A>T on transcript NM_004415.4 (MANE Select); coding-DNA position 262, A replaced by T.
Protein change: p.Ile88Phe; replaces isoleucine 88 with phenylalanine.
Molecular consequence: missense variant.
Genome position (GRCh38, 1-based): chr6:7,555,809, A>T. VCF-style: chr6-7555809-A-T. GRCh37 (hg19) VCF-style: chr6-7556042-A-T.
Other names: c.262A>T, p.Ile88Phe (NM_001008844.3, NM_001319034.2, NM_001406591.1); short protein forms I88F.
Identifiers: ClinVar variation 1794028 (VCV001794028.2), dbSNP rs1581791030, ClinGen allele CA362670868.
Genomic context (GRCh38, chr6:7,555,809, plus strand): 5'-CAGAACACCATCCAGGAGCTGCTGCAGAACTGCTCCGACTGCTTGATGCGAGCAGAGCTC[A>T]TCGTGCAGCCTGTAAGCTTTCCCTGTTCCCATCGCTTCTCCCAAAGCCTTGGCCACACCC-3'
Protein context (NP_004406.2, residues 78-98): CSDCLMRAEL[Ile88Phe]VQPELKYGDG

ClinVar aggregate classification (germline): Uncertain significance (1 of 4 stars; one submission).

Conditions:
Cardiovascular phenotype. Identifiers: MedGen CN230736.

Submission:

Ambry Genetics
Classification: Uncertain significance for Cardiovascular phenotype. Last evaluated: 2022-05-27. Review status: criteria provided, single submitter. Criteria: Ambry Variant Classification Scheme 2023. Collection method: clinical testing. Allele origin: germline.
Comment: The p.I88F variant (also known as c.262A>T), located in coding exon 2 of the DSP gene, results from an A to T substitution at nucleotide position 262. The isoleucine at codon 88 is replaced by phenylalanine, an amino acid with highly similar properties. This amino acid position is conserved. In addition, the in silico prediction for this alteration is inconclusive. Since supporting evidence is limited at this time, the clinical significance of this alteration remains unclear.